The following is an entry in ClinVar:

ClinVar aggregate classification (germline): Uncertain significance (1 of 4 stars; one submission).

Conditions:
Aortic aneurysm, familial thoracic 7 (AAT7). Also called: AORTIC DISSECTION, FAMILIAL, WITH OR WITHOUT AORTIC ANEURYSM. Identifiers: MedGen C3151077, MONDO:0013418, OMIM 613780.

Submission:

Labcorp Genetics (formerly Invitae), Labcorp
Classification: Uncertain significance for Aortic aneurysm, familial thoracic 7. Last evaluated: 2021-11-20. Review status: criteria provided, single submitter. Criteria: Invitae Variant Classification Sherloc (09022015). Collection method: clinical testing. Allele origin: germline.
Comment: In summary, the available evidence is currently insufficient to determine the role of this variant in disease. Therefore, it has been classified as a Variant of Uncertain Significance. Algorithms developed to predict the effect of missense changes on protein structure and function are either unavailable or do not agree on the potential impact of this missense change (SIFT: "Not Available"; PolyPhen-2: "Benign"; Align-GVGD: "Not Available"). This variant has not been reported in the literature in individuals affected with MYLK-related conditions. Information on the frequency of this variant in the gnomAD database is not available, as this variant may be reported differently in the database. This sequence change replaces asparagine, which is neutral and polar, with valine, which is neutral and non-polar, at codon 1595 of the MYLK protein (p.Asn1595Val).

NM_053025.4(MYLK):c.4783_4784delinsGT (p.Asn1595Val)

Gene: MYLK (myosin light chain kinase; minus strand). Cytogenetic location: 3q21.1.
Variant type: Indel.
Coding change: c.4783_4784delinsGT on transcript NM_053025.4 (MANE Select); coding-DNA positions 4783 to 4784, AA replaced by GT.
Protein change: p.Asn1595Val; replaces asparagine 1595 with valine.
Molecular consequence: missense variant.
Genome position (GRCh38, 1-based): chr3:123,640,340-123,640,341, TT replaced by AC on the plus strand (AA replaced by GT on the coding strand, the reverse complement: MYLK is on the minus strand). VCF-style: chr3-123640340-TT-AC. GRCh37 (hg19) VCF-style: chr3-123359187-TT-AC.
Other names: c.4255_4256delinsGT, p.Asn1419Val (NM_001321309.2); c.4576_4577delinsGT, p.Asn1526Val (NM_053026.4, NM_053028.4); c.4783_4784delinsGT, p.Asn1595Val (NM_053027.4); short protein forms N1419V, N1595V, N1526V.
Identifiers: ClinVar variation 1385003 (VCV001385003.6), dbSNP rs2108110442, ClinGen allele CA2573136418.